The following is an entry in ClinVar:

ClinVar aggregate classification (germline): Uncertain significance. Review status: criteria provided, single submitter (1 of 4 stars). 2 submissions from 2 submitters: Uncertain significance (1). 1 of the submissions does not count toward it. Last evaluated 2024-03-03.

Conditions:
Hernia, anterior diaphragmatic (DIH5). Identifiers: Orphanet 2140, MedGen C1844025, MONDO:0010606, OMIM 306950.

Submissions (2):

SIB Swiss Institute of Bioinformatics
Classification: Uncertain significance for Hernia, anterior diaphragmatic. Last evaluated: 2024-03-03. Review status: criteria provided, single submitter. Criteria: ACMG Guidelines, 2015. Collection method: curation. Allele origin: unknown. Affected: yes.
Comment: This variant is interpreted for Diaphragmatic hernia 5, X-linked. The following ACMG Tag(s) were applied: Absent from controls (or at extremely low frequency if recessive) in gnomAD (PM2). Cosegregation with disease in multiple affected family members (PP1).

OMIM
Classification: Pathogenic for DIAPHRAGMATIC HERNIA 5, X-LINKED. Last evaluated: 2023-11-15. Review status: no assertion criteria provided. Collection method: literature only. Allele origin: germline. Not counted in ClinVar's aggregate classification.

Literature cited by the submitters: PubMed 37751738 (cited by SIB Swiss Institute of Bioinformatics and OMIM).

NM_005032.7(PLS3):c.1774A>G (p.Met592Val)

Gene: PLS3 (plastin 3; plus strand). Cytogenetic location: Xq23.
Variant type: single nucleotide variant.
Coding change: c.1774A>G on transcript NM_005032.7 (MANE Select); coding-DNA position 1774, A replaced by G.
Protein change: p.Met592Val; replaces methionine 592 with valine.
Molecular consequence: missense variant.
Genome position (GRCh38, 1-based): chrX:115,649,442, A>G. VCF-style: chrX-115649442-A-G. GRCh37 (hg19) VCF-style: chrX-114883762-A-G.
Other names: c.1774A>G, p.Met592Val (NM_001136025.5); c.1693A>G, p.Met565Val (NM_001172335.3); c.1735A>G, p.Met579Val (NM_001282337.2); c.1639A>G, p.Met547Val (NM_001282338.2); short protein forms M592V, M547V, M565V, M579V.
Identifiers: ClinVar variation 2637922 (VCV002637922.2), dbSNP rs2521571585, ClinGen allele CA414336798.